The following is an entry in ClinVar:

NM_002582.4(PARN):c.271T>A (p.Tyr91Asn)

Gene: PARN (poly(A)-specific ribonuclease; minus strand). Cytogenetic location: 16p13.12.
Variant type: single nucleotide variant.
Coding change: c.271T>A on transcript NM_002582.4 (MANE Select); coding-DNA position 271, T replaced by A.
Protein change: p.Tyr91Asn; replaces tyrosine 91 with asparagine.
Molecular consequence: missense variant. On other transcripts: intron variant (1).
Genome position (GRCh38, 1-based): chr16:14,627,162, A>T on the plus strand (T>A on the coding strand, the complement: PARN is on the minus strand). VCF-style: chr16-14627162-A-T. GRCh37 (hg19) VCF-style: chr16-14721019-A-T.
Other names: c.271T>A, p.Tyr91Asn (LRG_1286t1); c.88T>A, p.Tyr30Asn (NM_001134477.3); c.159-26T>A (NM_001242992.2); short protein forms Y91N, Y30N.
Identifiers: ClinVar variation 575994 (VCV000575994.9), dbSNP rs764315291, ClinGen allele CA7912472.

ClinVar aggregate classification (germline): Uncertain significance (1 of 4 stars; one submission).

Conditions:
Dyskeratosis congenita, autosomal recessive 6 (DKCB6). Identifiers: MedGen C4225356, MONDO:0014600, OMIM 616353.
Pulmonary fibrosis and/or bone marrow failure, Telomere-related, 4. Also called: PULMONARY FIBROSIS AND/OR BONE MARROW FAILURE SYNDROME, TELOMERE-RELATED, 4. Identifiers: MONDO:0014612, OMIM 616371, Orphanet 2032, MedGen C4225347.

Allele frequency attached by ClinVar (database versions not stated): gnomAD exomes 0.00001 and 0.00002; ExAC 0.00007.
gnomAD v4.1: 11 of 1,605,824 alleles (0.00069%); highest among the groups gnomAD compares: Non-Finnish European, 0.00068%; no homozygotes.

Submission:

Labcorp Genetics (formerly Invitae), Labcorp
Classification: Uncertain significance for Dyskeratosis congenita, autosomal recessive 6; Pulmonary fibrosis and/or bone marrow failure, Telomere-related, 4. Last evaluated: 2024-08-06. Review status: criteria provided, single submitter. Criteria: Invitae Variant Classification Sherloc (09022015). Collection method: clinical testing. Allele origin: germline.
Comment: This sequence change replaces tyrosine, which is neutral and polar, with asparagine, which is neutral and polar, at codon 91 of the PARN protein (p.Tyr91Asn). This variant is present in population databases (rs764315291, gnomAD 0.005%). This variant has not been reported in the literature in individuals affected with PARN-related conditions. ClinVar contains an entry for this variant (Variation ID: 575994). Advanced modeling of protein sequence and biophysical properties (such as structural, functional, and spatial information, amino acid conservation, physicochemical variation, residue mobility, and thermodynamic stability) performed at Invitae indicates that this missense variant is expected to disrupt PARN protein function with a positive predictive value of 80%. This variant disrupts the p.Tyr91 amino acid residue in PARN. Other variant(s) that disrupt this residue have been determined to be pathogenic (PMID: 31448843; Invitae). This suggests that this residue is clinically significant, and that variants that disrupt this residue are likely to be disease-causing. In summary, the available evidence is currently insufficient to determine the role of this variant in disease. Therefore, it has been classified as a Variant of Uncertain Significance.

Literature cited by the submitters: PubMed 31448843.